The following is an entry in ClinVar:

ClinVar aggregate classification (germline): Uncertain significance (1 of 4 stars; one submission).

Submission:

GeneDx
Classification: Uncertain significance. Last evaluated: 2022-09-29. Review status: criteria provided, single submitter. Criteria: GeneDx Variant Classification Process June 2021. Collection method: clinical testing. Allele origin: germline. Affected: yes.
Comment: Not observed at significant frequency in large population cohorts (gnomAD); In silico analysis supports that this missense variant does not alter protein structure/function; Has not been previously published as pathogenic or benign to our knowledge

NM_031844.3(HNRNPU):c.1387G>C (p.Glu463Gln)

Gene: HNRNPU (heterogeneous nuclear ribonucleoprotein U; minus strand). Cytogenetic location: 1q44.
Variant type: single nucleotide variant.
Coding change: c.1387G>C on transcript NM_031844.3 (MANE Select); coding-DNA position 1387, G replaced by C.
Protein change: p.Glu463Gln; replaces glutamic acid 463 with glutamine.
Molecular consequence: missense variant.
Genome position (GRCh38, 1-based): chr1:244,858,118, C>G on the plus strand (G>C on the coding strand, the complement: HNRNPU is on the minus strand). VCF-style: chr1-244858118-C-G. GRCh37 (hg19) VCF-style: chr1-245021420-C-G.
Other names: c.1330G>C, p.Glu444Gln (NM_004501.3); short protein forms E444Q, E463Q.
Identifiers: ClinVar variation 2446644 (VCV002446644.1), dbSNP rs2527877146, ClinGen allele CA345491744.
Genomic context (GRCh38, chr1:244,858,118, plus strand): 5'-CCTCTAAGGGGACGTTCTGGATGAAAGTATACTCTTCAGGTATTGGAAAATATGGCTTTT[C>G]CTTCTGACCAAAATTAAATTCAACTGCACAGTTGTGGCAGAGAACATGCGGGAACAGTGG-3'
Protein context (NP_114032.2, residues 453-473): CAVEFNFGQK[Glu463Gln]KPYFPIPEEY